The following is an entry in ClinVar:

NM_138961.3(ESAM):c.78C>A (p.Pro26=)

Gene: ESAM (endothelial cell adhesion molecule; minus strand). Cytogenetic location: 11q24.2.
Variant type: single nucleotide variant.
Coding change: c.78C>A on transcript NM_138961.3 (MANE Select); coding-DNA position 78, C replaced by A.
Protein change: p.Pro26=; no amino-acid change (proline 26 retained).
Molecular consequence: synonymous variant.
Genome position (GRCh38, 1-based): chr11:124,758,520, G>T on the plus strand (C>A on the coding strand, the complement: ESAM is on the minus strand). VCF-style: chr11-124758520-G-T. GRCh37 (hg19) VCF-style: chr11-124628416-G-T.
Identifiers: ClinVar variation 4681525 (VCV004681525.5).

ClinVar aggregate classification (germline): Likely benign (1 of 4 stars; one submission).

gnomAD v4.1: 113 of 1,556,402 alleles (0.0073%); highest among the groups gnomAD compares: African/African-American, 0.11%; no homozygotes.

Submission:

CeGaT Center for Human Genetics Tuebingen
Classification: Likely benign. Last evaluated: 2025-12-01. Review status: criteria provided, single submitter. Criteria: CeGaT Center For Human Genetics Tuebingen Variant Classification Criteria Version 2. Collection method: clinical testing. Allele origin: germline. Affected: yes. Observed: 1 variant allele.
Comment: ESAM: BP4, BP7